The following is an entry in ClinVar:

ClinVar aggregate classification (germline): Uncertain significance (1 of 4 stars; one submission).

Conditions:
Leukocyte adhesion deficiency 1 (LAD1). Also called: LEUKOCYTE ADHESION DEFICIENCY, TYPE I; LAD 1; Lymphocyte function-associated antigen 1 immunodeficiency; LFA 1 immunodeficiency. Identifiers: Orphanet 2968, Orphanet 99842, MedGen C0398738, MONDO:0007293, OMIM 116920.

Allele frequency attached by ClinVar (database versions not stated): gnomAD 0.00001.
gnomAD v4.1: 5 of 1,608,502 alleles (0.00031%); highest among the groups gnomAD compares: Non-Finnish European, 0.00042%; no homozygotes.

Submission:

Labcorp Genetics (formerly Invitae), Labcorp
Classification: Uncertain significance for Leukocyte adhesion deficiency 1. Last evaluated: 2021-08-31. Review status: criteria provided, single submitter. Criteria: Invitae Variant Classification Sherloc (09022015). Collection method: clinical testing. Allele origin: germline.
Comment: This sequence change replaces glutamic acid with aspartic acid at codon 691 of the ITGB2 protein (p.Glu691Asp). The glutamic acid residue is moderately conserved and there is a small physicochemical difference between glutamic acid and aspartic acid. This variant is not present in population databases (ExAC no frequency). This variant has not been reported in the literature in individuals affected with ITGB2-related conditions. Algorithms developed to predict the effect of missense changes on protein structure and function output the following: SIFT: "Tolerated"; PolyPhen-2: "Benign"; Align-GVGD: "Class C0". The aspartic acid amino acid residue is found in multiple mammalian species, which suggests that this missense change does not adversely affect protein function. In summary, the available evidence is currently insufficient to determine the role of this variant in disease. Therefore, it has been classified as a Variant of Uncertain Significance.

NM_000211.5(ITGB2):c.2073G>C (p.Glu691Asp)

Gene: ITGB2 (integrin subunit beta 2; minus strand). Cytogenetic location: 21q22.3.
Variant type: single nucleotide variant.
Coding change: c.2073G>C on transcript NM_000211.5 (MANE Select); coding-DNA position 2073, G replaced by C.
Protein change: p.Glu691Asp; replaces glutamic acid 691 with aspartic acid.
Molecular consequence: missense variant.
Genome position (GRCh38, 1-based): chr21:44,888,700, C>G on the plus strand (G>C on the coding strand, the complement: ITGB2 is on the minus strand). VCF-style: chr21-44888700-C-G. GRCh37 (hg19) VCF-style: chr21-46308615-C-G.
Other names: c.2073G>C, p.Glu691Asp (NM_001127491.3); c.1866G>C, p.Glu622Asp (NM_001303238.2); short protein forms E622D, E691D.
Identifiers: ClinVar variation 956083 (VCV000956083.7), dbSNP rs879017906, ClinGen allele CA410483242.